The following is an entry in ClinVar:

NM_016194.4(GNB5):c.967A>G (p.Ser323Gly)

Gene: GNB5 (G protein subunit beta 5; minus strand). Cytogenetic location: 15q21.2.
Variant type: single nucleotide variant.
Coding change: c.967A>G on transcript NM_016194.4 (MANE Select); coding-DNA position 967, A replaced by G.
Protein change: p.Ser323Gly; replaces serine 323 with glycine.
Molecular consequence: missense variant.
Genome position (GRCh38, 1-based): chr15:52,125,990, T>C on the plus strand (A>G on the coding strand, the complement: GNB5 is on the minus strand). VCF-style: chr15-52125990-T-C. GRCh37 (hg19) VCF-style: chr15-52418187-T-C.
Other names: c.685A>G, p.Ser229Gly (NM_001379343.1); c.841A>G, p.Ser281Gly (NM_006578.4); short protein forms S229G, S281G, S323G.
Identifiers: ClinVar variation 3391719 (VCV003391719.1).

ClinVar aggregate classification (germline): Uncertain significance (1 of 4 stars; one submission).

Submission:

GeneDx
Classification: Uncertain significance. Last evaluated: 2024-06-17. Review status: criteria provided, single submitter. Criteria: GeneDx Variant Classification Process June 2021. Collection method: clinical testing. Allele origin: germline. Affected: yes.
Comment: Not observed at significant frequency in large population cohorts (gnomAD); In silico analysis supports that this missense variant has a deleterious effect on protein structure/function; Has not been previously published as pathogenic or benign to our knowledge